The following is an entry in ClinVar:

NM_001372044.2(SHANK3):c.2300G>A (p.Arg767His)

Gene: SHANK3 (SH3 and multiple ankyrin repeat domains 3; plus strand). Cytogenetic location: 22q13.33.
Variant type: single nucleotide variant.
Coding change: c.2300G>A on transcript NM_001372044.2 (MANE Select); coding-DNA position 2300, G replaced by A.
Protein change: p.Arg767His; replaces arginine 767 with histidine.
Molecular consequence: missense variant.
Genome position (GRCh38, 1-based): chr22:50,706,117, G>A. VCF-style: chr22-50706117-G-A. GRCh37 (hg19) VCF-style: chr22-51144545-G-A.
Other names: c.2075G>A, p.Arg692His (NM_033517.1); short protein forms R692H, R767H.
Identifiers: ClinVar variation 423611 (VCV000423611.2), dbSNP rs1064796528, ClinGen allele CA16621137.

ClinVar aggregate classification (germline): Likely pathogenic (1 of 4 stars; one submission).

Allele frequency attached by ClinVar (database versions not stated): gnomAD exomes below 0.00001.

Submission:

GeneDx
Classification: Likely pathogenic. Last evaluated: 2017-02-16. Review status: criteria provided, single submitter. Criteria: GeneDx Variant Classification (06012015). Collection method: clinical testing. Allele origin: germline. Affected: yes.
Comment: The R692H variant in the SHANK3 gene has not been reported previously as a pathogenic variant, nor as a benign variant, to our knowledge. The R692H variant is not observed in large population cohorts (Lek et al., 2016; 1000 Genomes Consortium et al., 2015; Exome Variant Server). The R692H variant is a conservative amino acid substitution, which is not likely to impact secondary protein structure as these residues share similar properties. However, this substitution occurs at a position that is conserved across species, and in silico analysis predicts this variant is probably damaging to the protein structure/function. The R692H variant is a strong candidate for a pathogenic variant.